The following is an entry in ClinVar:

ClinVar aggregate classification (germline): Benign/Likely benign. Review status: criteria provided, multiple submitters, no conflicts (2 of 4 stars). 5 submissions from 5 submitters: Benign (1); Likely benign (3). 1 of the submissions does not count toward it. Last evaluated 2026-01-28.

Conditions:
Cardiac anomalies - developmental delay - facial dysmorphism syndrome (MRFACD). Also called: MED13L Syndrome; Impaired intellectual development and distinctive facial features with or without cardiac defects. Identifiers: Orphanet 369891, MedGen C5192431, MONDO:0014773, OMIM 616789.
Dextro-looped transposition of the great arteries. Also called: Dextrotransposition of the great arteries. Identifiers: Orphanet 860, MedGen C3531771, MONDO:0019443, OMIM 608808, HP:0031348.
MED13L-related disorder. Also called: MED13L-related condition.
Inborn genetic diseases. Identifiers: MedGen C0950123, MeSH D030342.

Allele frequency attached by ClinVar (database versions not stated): gnomAD 0.00023 and 0.00034; ExAC 0.00041; gnomAD exomes 0.00044 and 0.00049; TOPMed 0.00046; 1000 Genomes Project 0.00060; 1000 Genomes Project 30x 0.00062; ESP Exome Variant Server 0.00008.
gnomAD v4.1: 685 of 1,613,876 alleles (0.042%); highest among the groups gnomAD compares: Admixed American, 0.15%; no homozygotes.

Submissions (5):

Labcorp Genetics (formerly Invitae), Labcorp
Classification: Likely benign for Dextro-looped transposition of the great arteries. Last evaluated: 2026-01-28. Review status: criteria provided, single submitter. Criteria: Invitae Variant Classification Sherloc (09022015). Collection method: clinical testing. Allele origin: germline.

Ambry Genetics
Classification: Likely benign for Inborn genetic diseases. Last evaluated: 2022-06-27. Review status: criteria provided, single submitter. Criteria: Ambry Variant Classification Scheme 2023. Collection method: clinical testing. Allele origin: germline.

Department of Pathology and Laboratory Medicine, Sinai Health System
Classification: Likely benign for Cardiac anomalies - developmental delay - facial dysmorphism syndrome. Last evaluated: 2021-07-30. Review status: criteria provided, single submitter. Criteria: ACMG Guidelines, 2015. Collection method: research. Allele origin: germline.

GeneDx
Classification: Benign. Last evaluated: 2020-03-31. Review status: criteria provided, single submitter. Criteria: GeneDx Variant Classification Process June 2021. Collection method: clinical testing. Allele origin: germline. Affected: yes.

PreventionGenetics, part of Exact Sciences
Classification: Likely benign for MED13L-related condition. Last evaluated: 2020-02-17. Review status: no assertion criteria provided. Collection method: clinical testing. Allele origin: germline. Not counted in ClinVar's aggregate classification.
Comment: This variant is classified as likely benign based on ACMG/AMP sequence variant interpretation guidelines (Richards et al. 2015 PMID: 25741868, with internal and published modifications).

NM_015335.5(MED13L):c.1877C>T (p.Pro626Leu)

Gene: MED13L (mediator complex subunit 13L; minus strand). Cytogenetic location: 12q24.21.
Variant type: single nucleotide variant.
Coding change: c.1877C>T on transcript NM_015335.5 (MANE Select); coding-DNA position 1877, C replaced by T.
Protein change: p.Pro626Leu; replaces proline 626 with leucine.
Molecular consequence: missense variant.
Genome position (GRCh38, 1-based): chr12:116,008,536, G>A on the plus strand (C>T on the coding strand, the complement: MED13L is on the minus strand). VCF-style: chr12-116008536-G-A. GRCh37 (hg19) VCF-style: chr12-116446341-G-A.
Other names: short protein forms P626L.
Identifiers: ClinVar variation 696601 (VCV000696601.15), dbSNP rs186297695, ClinGen allele CA6811339.